The following is an entry in ClinVar:

NM_001104631.2(PDE4D):c.*4398T>G

Gene: PDE4D (phosphodiesterase 4D; minus strand). Cytogenetic location: 5q11.2.
Variant type: single nucleotide variant.
Coding change: c.*4398T>G on transcript NM_001104631.2 (MANE Select); 4398 bases downstream of the stop codon, T replaced by G.
Molecular consequence: 3 prime UTR variant.
Genome position (GRCh38, 1-based): chr5:58,970,266, A>C on the plus strand (T>G on the coding strand, the complement: PDE4D is on the minus strand). VCF-style: chr5-58970266-A-C. GRCh37 (hg19) VCF-style: chr5-58266093-A-C.
Other names: c.*4398T>G (NM_001165899.2, NM_001197218.2, NM_001197219.2 and 11 more transcripts).
Identifiers: ClinVar variation 353923 (VCV000353923.6), dbSNP rs74874819, ClinGen allele CA10622017.

ClinVar aggregate classification (germline): Benign. Review status: criteria provided, multiple submitters, no conflicts (2 of 4 stars). 2 submissions from 2 submitters: Benign (2). Last evaluated 2018-01-12.

Conditions:
Acrodysostosis 2 with or without hormone resistance. Also called: ACRODYSOSTOSIS 2 WITH HORMONE RESISTANCE; ACRODYSOSTOSIS 2 WITHOUT HORMONE RESISTANCE. Identifiers: Orphanet 280651, MedGen C3553250, MONDO:0013822, OMIM 614613.

Allele frequency attached by ClinVar (database versions not stated): TOPMed 0.00591; gnomAD 0.00664 and 0.00809; 1000 Genomes Project 30x 0.02030; 1000 Genomes Project 0.02296.

Submissions (2):

Illumina Laboratory Services, Illumina
Classification: Benign for Acrodysostosis 2 with or without hormone resistance. Last evaluated: 2018-01-12. Review status: criteria provided, single submitter. Criteria: ICSL Variant Classification Criteria 13 December 2019. Collection method: clinical testing. Allele origin: germline.
Comment: This variant was observed in the ICSL laboratory as part of a predisposition screen in an ostensibly healthy population. It had not been previously curated by ICSL or reported in the Human Gene Mutation Database (HGMD: prior to June 1st, 2018), and was therefore a candidate for classification through an automated scoring system. Utilizing variant allele frequency, disease prevalence and penetrance estimates, and inheritance mode, an automated score was calculated to assess if this variant is too frequent to cause the disease. Based on the score and internal cut-off values, a variant classified as benign is not then subjected to further curation. The score for this variant resulted in a classification of benign for this disease.

Breakthrough Genomics
Classification: Benign. Review status: criteria provided, single submitter. Criteria: ACMG Guidelines, 2015. Collection method: not provided. Allele origin: germline. Inheritance: Autosomal dominant inheritance. Affected: yes.